The following is an entry in ClinVar:

NM_000179.3(MSH6):c.2882G>T (p.Arg961Ile)

Gene: MSH6 (mutS homolog 6; plus strand). Cytogenetic location: 2p16.3.
Variant type: single nucleotide variant.
Coding change: c.2882G>T on transcript NM_000179.3 (MANE Select); coding-DNA position 2882, G replaced by T.
Protein change: p.Arg961Ile; replaces arginine 961 with isoleucine.
Molecular consequence: missense variant.
Genome position (GRCh38, 1-based): chr2:47,800,865, G>T. VCF-style: chr2-47800865-G-T. GRCh37 (hg19) VCF-style: chr2-48028004-G-T.
Other names: c.2492G>T, p.Arg831Ile (NM_001281492.2); c.1976G>T, p.Arg659Ile (NM_001281493.2, NM_001281494.2); short protein forms R961I, R659I, R831I.
Identifiers: ClinVar variation 141054 (VCV000141054.8), dbSNP rs587781458, ClinGen allele CA011048.

ClinVar aggregate classification (germline): Uncertain significance. Review status: criteria provided, multiple submitters, no conflicts (2 of 4 stars). 2 submissions from 2 submitters: Uncertain significance (2). Last evaluated 2024-01-30.

Conditions:
Hereditary nonpolyposis colorectal neoplasms. Identifiers: MedGen C0009405, MeSH D003123.
Hereditary cancer-predisposing syndrome. Also called: Neoplastic Syndromes, Hereditary; Tumor predisposition; Hereditary Cancer Syndrome; Hereditary neoplastic syndrome. Identifiers: Orphanet 140162, MedGen C0027672, MeSH D009386, MONDO:0015356.

Submissions (2):

Labcorp Genetics (formerly Invitae), Labcorp
Classification: Uncertain significance for Hereditary nonpolyposis colorectal neoplasms. Last evaluated: 2024-01-30. Review status: criteria provided, single submitter. Criteria: Invitae Variant Classification Sherloc (09022015). Collection method: clinical testing. Allele origin: germline.
Comment: This sequence change replaces arginine, which is basic and polar, with isoleucine, which is neutral and non-polar, at codon 961 of the MSH6 protein (p.Arg961Ile). This variant is not present in population databases (gnomAD no frequency). This variant has not been reported in the literature in individuals affected with MSH6-related conditions. ClinVar contains an entry for this variant (Variation ID: 141054). Advanced modeling of protein sequence and biophysical properties (such as structural, functional, and spatial information, amino acid conservation, physicochemical variation, residue mobility, and thermodynamic stability) performed at Invitae indicates that this missense variant is not expected to disrupt MSH6 protein function with a negative predictive value of 95%. In summary, the available evidence is currently insufficient to determine the role of this variant in disease. Therefore, it has been classified as a Variant of Uncertain Significance.

Ambry Genetics
Classification: Uncertain significance for Hereditary cancer-predisposing syndrome. Last evaluated: 2018-12-20. Review status: criteria provided, single submitter. Criteria: Ambry Variant Classification Scheme 2023. Collection method: clinical testing. Allele origin: germline.
Comment: The p.R961I variant (also known as c.2882G>T), located in coding exon 4 of the MSH6 gene, results from a G to T substitution at nucleotide position 2882. The arginine at codon 961 is replaced by isoleucine, an amino acid with similar properties. This amino acid position is well conserved in available vertebrate species. In addition, this alteration is predicted to be deleterious by in silico analysis. In addition, the CoDP in silico tool predicts this alteration to have a minor impact on molecular function, with a score of 0.209 (Terui H et al. J. Biomed. Sci. 2013 Apr;20:25). Since supporting evidence is limited at this time, the clinical significance of this alteration remains unclear.